The following is an entry in ClinVar:

ClinVar aggregate classification (germline): Uncertain significance. Review status: criteria provided, multiple submitters, no conflicts (2 of 4 stars). 5 submissions from 5 submitters: Uncertain significance (5). Last evaluated 2025-04-23.

Conditions:
Developmental and epileptic encephalopathy, 18 (DEE18). Also called: Early infantile epileptic encephalopathy 18. Identifiers: Orphanet 369894, MedGen C3809624, MONDO:0014201, OMIM 615476.
Inborn genetic diseases. Identifiers: MedGen C0950123, MeSH D030342.

Allele frequency attached by ClinVar (database versions not stated): gnomAD 0.00002 and 0.00003; TOPMed 0.00007; ESP Exome Variant Server 0.00008; gnomAD exomes 0.00008 and 0.00009; ExAC 0.00010.
gnomAD v4.1: 132 of 1,613,974 alleles (0.0082%); highest among the groups gnomAD compares: Middle Eastern, 0.066%; no homozygotes.

Submissions (5):

GeneDx
Classification: Uncertain significance. Last evaluated: 2025-04-23. Review status: criteria provided, single submitter. Criteria: GeneDx Variant Classification Process June 2021. Collection method: clinical testing. Allele origin: germline. Affected: yes.
Comment: In silico analysis indicates that this missense variant does not alter protein structure/function; Has not been previously published as pathogenic or benign to our knowledge

Ambry Genetics
Classification: Uncertain significance for Inborn genetic diseases. Last evaluated: 2024-10-12. Review status: criteria provided, single submitter. Criteria: Ambry Variant Classification Scheme 2023. Collection method: clinical testing. Allele origin: germline.

Genome-Nilou Lab
Classification: Uncertain significance for Developmental and epileptic encephalopathy, 18. Last evaluated: 2023-04-11. Review status: criteria provided, single submitter. Criteria: ACMG Guidelines, 2015. Collection method: clinical testing. Allele origin: germline. Affected: no.

Labcorp Genetics (formerly Invitae), Labcorp
Classification: Uncertain significance. Last evaluated: 2022-07-26. Review status: criteria provided, single submitter. Criteria: Invitae Variant Classification Sherloc (09022015). Collection method: clinical testing. Allele origin: germline.
Comment: This sequence change replaces glycine, which is neutral and non-polar, with tryptophan, which is neutral and slightly polar, at codon 1114 of the SZT2 protein (p.Gly1114Trp). This variant is present in population databases (rs201767217, gnomAD 0.02%). This variant has not been reported in the literature in individuals affected with SZT2-related conditions. ClinVar contains an entry for this variant (Variation ID: 411945). Algorithms developed to predict the effect of missense changes on protein structure and function (SIFT, PolyPhen-2, Align-GVGD) all suggest that this variant is likely to be disruptive. In summary, the available evidence is currently insufficient to determine the role of this variant in disease. Therefore, it has been classified as a Variant of Uncertain Significance.

Fulgent Genetics
Classification: Uncertain significance for Developmental and epileptic encephalopathy, 18. Last evaluated: 2018-10-31. Review status: criteria provided, single submitter. Criteria: ACMG Guidelines, 2015. Collection method: clinical testing. Allele origin: unknown.

NM_001365999.1(SZT2):c.3511G>T (p.Gly1171Trp)

Gene: SZT2 (SZT2 subunit of KICSTOR complex; plus strand). Cytogenetic location: 1p34.2.
Variant type: single nucleotide variant.
Coding change: c.3511G>T on transcript NM_001365999.1 (MANE Select); coding-DNA position 3511, G replaced by T.
Protein change: p.Gly1171Trp; replaces glycine 1171 with tryptophan.
Molecular consequence: missense variant.
Genome position (GRCh38, 1-based): chr1:43,427,358, G>T. VCF-style: chr1-43427358-G-T. GRCh37 (hg19) VCF-style: chr1-43893029-G-T.
Other names: c.3340G>T, p.Gly1114Trp (NM_015284.4); short protein forms G1114W, G1171W.
Identifiers: ClinVar variation 411945 (VCV000411945.14), dbSNP rs201767217, ClinGen allele CA809011.